The following is an entry in ClinVar:

NM_003611.3(OFD1):c.710del (p.Lys237fs)

Gene: OFD1 (OFD1 centriole and centriolar satellite protein; plus strand). Cytogenetic location: Xp22.2.
Variant type: Deletion.
Coding change: c.710del on transcript NM_003611.3 (MANE Select); coding-DNA position 710, one base deleted (A; older notation c.710delA).
Protein change: p.Lys237fs; shifts the reading frame from lysine 237.
Molecular consequence: frameshift variant.
Genome position (GRCh38, 1-based): chrX:13,746,835, A deleted; the last of 9 consecutive A bases (chrX:13,746,827-13,746,835); deleting any one gives the same sequence. VCF-style (leftmost placement, unchanged base first): chrX-13746826-CA-C. GRCh37 (hg19) VCF-style: chrX-13764945-CA-C.
Other names: c.710del, p.Lys237fs (NM_001330209.2); c.290del, p.Lys97fs (NM_001330210.2); short protein forms K97fs, K237fs.
Identifiers: ClinVar variation 41142 (VCV000041142.17), dbSNP rs312262845, ClinGen allele CA344036.

ClinVar aggregate classification (germline): Pathogenic. Review status: criteria provided, multiple submitters, no conflicts (2 of 4 stars). 5 submissions from 5 submitters: Pathogenic (3). 2 of the submissions do not count toward it. Last evaluated 2023-12-21.

Conditions:
COACH syndrome (COACH1). Also called: CEREBELLAR VERMIS HYPO/APLASIA, OLIGOPHRENIA, CONGENITAL ATAXIA, OCULAR COLOBOMA, AND HEPATIC FIBROSIS; Joubert syndrome with hepatic defect; Joubert syndrome with congenital hepatic fibrosis. Identifiers: Orphanet 1454, MedGen C1857662, MONDO:0100349.
Joubert syndrome. Also called: JOUBERT-BOLTSHAUSER SYNDROME; Familial aplasia of the vermis. Identifiers: Orphanet 475, MedGen C5979921, MONDO:0018772.
Orofaciodigital syndrome I (OFD1). Also called: OFDS I; Papillon-Leage and Psaume Syndrome; Oral-Facial-Digital Syndrome Type I. Identifiers: Orphanet 2750, MedGen C1510460, MONDO:0010702, OMIM 311200.
OFD1-related disorder. Also called: OFD1-related condition.

Submissions (5):

Victorian Clinical Genetics Services, Murdoch Childrens Research Institute
Classification: Pathogenic for Orofaciodigital syndrome I. Last evaluated: 2023-12-21. Review status: criteria provided, single submitter. Criteria: ACMG Guidelines, 2015. Collection method: clinical testing. Allele origin: germline. Inheritance: X-linked dominant inheritance. Affected: yes.
Comment: Based on the classification scheme VCGS_Germline_v1.3.4, this variant is classified as Pathogenic. Following criteria are met: 0102 - Loss of function is a known mechanism of disease in this gene and is associated with orofaciodigital syndrome I (MIM#311200). (I) 0108 - This gene is associated with both recessive and dominant disease. Most conditions associated with this gene are X-linked recessive; however, orofaciodigital syndrome I (MIM#311200) is X-linked dominant. (I) 0115 - Variants in this gene are known to have variable expressivity. The same variants have been associated with several OFD1-related conditions and are known to have intrafamilial and interfamilial variability (PMID: 31373179; PMID: 23033313). (I) 0201 - Variant is predicted to cause nonsense-mediated decay (NMD) and loss of protein (premature termination codon is located at least 54 nucleotides upstream of the final exon-exon junction). (SP) 0251 - This variant is heterozygous. (I) 0302 - Variant is present in gnomAD (v2) <0.001; however, the data quality of this variant is poor in gnomAD and is likely to be an artefact. (I) 0701 - Other NMD predicted variants comparable to the one identified in this case have very strong previous evidence for pathogenicity (DECIPHER). (SP) 0801 - This variant has strong previous evidence of pathogenicity in unrelated individuals. This variant has been reported in ClinVar as pathogenic, and reported as de novo in at least two individuals with OFDI syndrome (PMID: 29193896, PMID: 18546297). (SP) 1208 - Inheritance information for this variant is not currently available in this individual. (I) Legend: (SP) - Supporting pathogenic, (I) - Information, (SB) - Supporting benign

Blueprint Genetics
Classification: Pathogenic for OFD1-related disorders. Last evaluated: 2023-07-13. Review status: criteria provided, single submitter. Criteria: ACMG Guidelines, 2015. Collection method: clinical testing. Allele origin: germline. Affected: yes. Observed: 5 variant alleles.

Labcorp Genetics (formerly Invitae), Labcorp
Classification: Pathogenic for Orofaciodigital syndrome I; Joubert syndrome. Last evaluated: 2022-07-01. Review status: criteria provided, single submitter. Criteria: Invitae Variant Classification Sherloc (09022015). Collection method: clinical testing. Allele origin: germline.
Comment: For these reasons, this variant has been classified as Pathogenic. Algorithms developed to predict the effect of sequence changes on RNA splicing suggest that this variant may disrupt the consensus splice site. ClinVar contains an entry for this variant (Variation ID: 41142). This premature translational stop signal has been observed in individual(s) with oral-facial-digital syndrome type I (PMID: 18546297). In at least one individual the variant was observed to be de novo. The frequency data for this variant in the population databases is considered unreliable, as metrics indicate poor data quality at this position in the gnomAD database. This sequence change creates a premature translational stop signal (p.Lys237Serfs*6) in the OFD1 gene. It is expected to result in an absent or disrupted protein product. Loss-of-function variants in OFD1 are known to be pathogenic (PMID: 16783569, 18546297, 27081566).

PreventionGenetics, part of Exact Sciences
Classification: Pathogenic for OFD1-related condition. Last evaluated: 2024-07-11. Review status: no assertion criteria provided. Collection method: clinical testing. Allele origin: germline. Not counted in ClinVar's aggregate classification.
Comment: The OFD1 c.710delA variant is predicted to result in a frameshift and premature protein termination (p.Lys237Serfs*6). This variant has been reported as having arisen de novo in at least two individuals with oral-facial-digital syndrome type 1 (Prattichizzo et al. 2008. PubMed ID: 18546297; Alby et al. 2018. PubMed ID: 29193896). This variant is reported in 0.068% of alleles in individuals of Latino descent in gnomAD; however, the quality of data at this position is questionable and should be interpreted with caution. Frameshift variants in OFD1 are expected to be pathogenic. This variant is classified as pathogenic.

Credence Genomics
Classification: Pathogenic for COACH syndrome. Review status: no assertion criteria provided. Collection method: clinical testing. Allele origin: unknown. Inheritance: X-linked inheritance. Affected: yes. Observed: 1 hemizygote. Not counted in ClinVar's aggregate classification.

Literature cited by the submitters: PubMed 18546297 (cited by Victorian Clinical Genetics Services, Murdoch Childrens Research Institute and Labcorp Genetics (formerly Invitae), Labcorp); PubMed 23033313 (cited by Victorian Clinical Genetics Services, Murdoch Childrens Research Institute); PubMed 29193896 (cited by Victorian Clinical Genetics Services, Murdoch Childrens Research Institute); PubMed 31373179 (cited by Victorian Clinical Genetics Services, Murdoch Childrens Research Institute); PubMed 16783569 (cited by Labcorp Genetics (formerly Invitae), Labcorp); PubMed 27081566 (cited by Labcorp Genetics (formerly Invitae), Labcorp); DOI 10.1038/hgv.2015.69 (cited by Credence Genomics).